The following is an entry in ClinVar:

ClinVar aggregate classification (germline): Benign/Likely benign. Review status: criteria provided, multiple submitters, no conflicts (2 of 4 stars). 4 submissions from 4 submitters: Benign (1); Likely benign (3). Last evaluated 2025-07-29.

Conditions:
Fanconi anemia complementation group J. Also called: BRIP1-Related Fanconi Anemia. Identifiers: Orphanet 84, MedGen C1836860, MONDO:0012187, OMIM 609054.
Familial cancer of breast. Also called: Hereditary breast cancer; BREAST CANCER, FAMILIAL; hereditary breast carcinoma. Identifiers: Orphanet 227535, MedGen C0346153, MONDO:0016419, OMIM 114480. Disease mechanism: loss of function.
Hereditary cancer-predisposing syndrome. Also called: Tumor predisposition; Neoplastic Syndromes, Hereditary; Hereditary Cancer Syndrome; Hereditary neoplastic syndrome. Identifiers: Orphanet 140162, MedGen C0027672, MeSH D009386, MONDO:0015356.

Submissions (4):

Labcorp Genetics (formerly Invitae), Labcorp
Classification: Likely benign for Familial cancer of breast; Fanconi anemia complementation group J. Last evaluated: 2025-07-29. Review status: criteria provided, single submitter. Criteria: Invitae Variant Classification Sherloc (09022015). Collection method: clinical testing. Allele origin: germline.

Myriad Genetics, Inc.
Classification: Benign for Familial cancer of breast. Last evaluated: 2024-09-09. Review status: criteria provided, single submitter. Criteria: Myriad Autosomal Dominant, Autosomal Recessive and X-Linked Classification Criteria (2023). Collection method: clinical testing. Allele origin: unknown.
Comment: This variant is considered benign. This variant is a silent/synonymous amino acid change and it is not expected to impact splicing.

Color Diagnostics, LLC DBA Color Health
Classification: Likely benign for Hereditary cancer-predisposing syndrome. Last evaluated: 2017-05-26. Review status: criteria provided, single submitter. Criteria: ACMG Guidelines, 2015. Collection method: clinical testing. Allele origin: germline.

Ambry Genetics
Classification: Likely benign for Hereditary cancer-predisposing syndrome. Last evaluated: 2016-05-31. Review status: criteria provided, single submitter. Criteria: Ambry Variant Classification Scheme 2023. Collection method: clinical testing. Allele origin: germline.

NM_032043.3(BRIP1):c.2868A>G (p.Ser956=)

Gene: BRIP1 (BRCA1 interacting DNA helicase 1; minus strand). Cytogenetic location: 17q23.2.
Variant type: single nucleotide variant.
Coding change: c.2868A>G on transcript NM_032043.3 (MANE Select); coding-DNA position 2868, A replaced by G.
Protein change: p.Ser956=; no amino-acid change (serine 956 retained).
Molecular consequence: synonymous variant.
Genome position (GRCh38, 1-based): chr17:61,685,873, T>C on the plus strand (A>G on the coding strand, the complement: BRIP1 is on the minus strand). VCF-style: chr17-61685873-T-C. GRCh37 (hg19) VCF-style: chr17-59763234-T-C.
Identifiers: ClinVar variation 414661 (VCV000414661.20), dbSNP rs1060504321, ClinGen allele CA16615829.
Genomic context (GRCh38, chr17:61,685,873, plus strand): 5'-TAAATGGGAAGAACTTTTCATACTTTTCTCCTTTCTGGAGATAATGCTACTTGGTAGAGG[T>C]GAATTTTTGGTAATAATTTTAGGACACTGTAGTTCCTGGACACATATCTTTGCTTCATCT-3'
Protein context (NP_114432.2, residues 946-966): LQCPKIITKN[Ser956=]PLPSSIISRK